The following is an entry in ClinVar:

NM_000501.4(ELN):c.1950C>A (p.Leu650=)

Gene: ELN (elastin; plus strand). Cytogenetic location: 7q11.23.
Variant type: single nucleotide variant.
Coding change: c.1950C>A on transcript NM_000501.4 (MANE Select); coding-DNA position 1950, C replaced by A.
Protein change: p.Leu650=; no amino-acid change (leucine 650 retained).
Molecular consequence: synonymous variant.
Genome position (GRCh38, 1-based): chr7:74,063,652, C>A. VCF-style: chr7-74063652-C-A. GRCh37 (hg19) VCF-style: chr7-73477982-C-A.
Other names: c.1863C>A, p.Leu621= (NM_001081752.3); c.1908C>A, p.Leu636= (NM_001081753.3); c.1965C>A, p.Leu655= (NM_001081754.3); c.1893C>A, p.Leu631= (NM_001081755.3); c.1950C>A, p.Leu650= (NM_001278912.2); c.1707C>A, p.Leu569= (NM_001278913.2); c.1878C>A, p.Leu626= (NM_001278914.2); c.1968C>A, p.Leu656= (NM_001278915.2); and 4 more.
Identifiers: ClinVar variation 4797140 (VCV004797140.1).

ClinVar aggregate classification (germline): Uncertain significance (1 of 4 stars; one submission).

Conditions:
Supravalvar aortic stenosis (SVAS). Also called: Supravalvar aortic stenosis, Eisenberg type. Identifiers: Orphanet 3193, MedGen C0003499, MONDO:0008504, OMIM 185500, HP:0004381.

gnomAD v4.1: 27 of 1,613,988 alleles (0.0017%); highest among the groups gnomAD compares: Non-Finnish European, 0.0021%; no homozygotes.

Submission:

Labcorp Genetics (formerly Invitae), Labcorp
Classification: Uncertain significance for Supravalvar aortic stenosis. Last evaluated: 2026-01-18. Review status: criteria provided, single submitter. Criteria: Invitae Variant Classification Sherloc (09022015). Collection method: clinical testing. Allele origin: germline.
Comment: This sequence change affects codon 712 of the ELN mRNA. It is a 'silent' change, meaning that it does not change the encoded amino acid sequence of the ELN protein. This variant is present in population databases (rs373342218, gnomAD 0.002%). This variant has not been reported in the literature in individuals affected with ELN-related conditions. Algorithms developed to predict the effect of sequence changes on RNA splicing suggest that this variant may disrupt the consensus splice site. In summary, the available evidence is currently insufficient to determine the role of this variant in disease. Therefore, it has been classified as a Variant of Uncertain Significance.